The following is an entry in ClinVar:

ClinVar aggregate classification (germline): Benign. Review status: criteria provided, multiple submitters, no conflicts (2 of 4 stars). 2 submissions from 2 submitters: Benign (2). Last evaluated 2026-01-18.

Conditions:
Autosomal dominant striatal neurodegeneration type 1. Identifiers: Orphanet 228169, MedGen C4310808, MONDO:0012205, OMIM 609161.

Allele frequency attached by ClinVar (database versions not stated): gnomAD 0.00002 and 0.00036; TOPMed 0.00006; ExAC 0.00094; gnomAD exomes 0.00096; 1000 Genomes Project 30x 0.00234; 1000 Genomes Project 0.00240.
gnomAD v4.1: 705 of 1,611,364 alleles (0.044%); highest among the groups gnomAD compares: South Asian, 0.72%; 7 homozygotes.

Submissions (2):

Labcorp Genetics (formerly Invitae), Labcorp
Classification: Benign. Last evaluated: 2026-01-18. Review status: criteria provided, single submitter. Criteria: Invitae Variant Classification Sherloc (09022015). Collection method: clinical testing. Allele origin: germline.

Illumina Laboratory Services, Illumina
Classification: Benign for Autosomal dominant striatal neurodegeneration type 1. Last evaluated: 2018-01-13. Review status: criteria provided, single submitter. Criteria: ICSL Variant Classification Criteria 13 December 2019. Collection method: clinical testing. Allele origin: germline.
Comment: This variant was observed in the ICSL laboratory as part of a predisposition screen in an ostensibly healthy population. It had not been previously curated by ICSL or reported in the Human Gene Mutation Database (HGMD: prior to June 1st, 2018), and was therefore a candidate for classification through an automated scoring system. Utilizing variant allele frequency, disease prevalence and penetrance estimates, and inheritance mode, an automated score was calculated to assess if this variant is too frequent to cause the disease. Based on the score and internal cut-off values, a variant classified as benign is not then subjected to further curation. The score for this variant resulted in a classification of benign for this disease.

NM_003719.5(PDE8B):c.1921G>A (p.Asp641Asn)

Gene: PDE8B (phosphodiesterase 8B; plus strand). Cytogenetic location: 5q13.3.
Variant type: single nucleotide variant.
Coding change: c.1921G>A on transcript NM_003719.5 (MANE Select); coding-DNA position 1921, G replaced by A.
Protein change: p.Asp641Asn; replaces aspartic acid 641 with asparagine.
Molecular consequence: missense variant.
Genome position (GRCh38, 1-based): chr5:77,418,238, G>A. VCF-style: chr5-77418238-G-A. GRCh37 (hg19) VCF-style: chr5-76714063-G-A.
Other names: c.1630G>A, p.Asp544Asn (NM_001029851.4); c.1756G>A, p.Asp586Asn (NM_001029852.4); c.1861G>A, p.Asp621Asn (NM_001029853.4); c.1780G>A, p.Asp594Asn (NM_001029854.4); c.1918G>A, p.Asp640Asn (NM_001349748.3, NM_001349751.3); c.1984G>A, p.Asp662Asn (NM_001349749.3); c.1681G>A, p.Asp561Asn (NM_001349750.3); c.1615G>A, p.Asp539Asn (NM_001349752.3); and 12 more; short protein forms D641N, D539N, D586N, D517N, D561N, D594N, D640N, D662N.
Identifiers: ClinVar variation 354166 (VCV000354166.7), dbSNP rs539447103, ClinGen allele CA3315393.